The following is an entry in ClinVar:

ClinVar aggregate classification (germline): Conflicting classifications of pathogenicity. Review status: criteria provided, conflicting classifications (1 of 4 stars). 3 submissions from 3 submitters: Uncertain significance (2); Likely benign (1). Last evaluated 2023-10-31.

Conditions:
Cardiovascular phenotype. Identifiers: MedGen CN230736.
Cardiomyopathy (CMYO). Also called: Cardiomyopathies. Identifiers: Orphanet 167848, MedGen C0878544, MONDO:0004994, HP:0001638. Inheritance: Various modes of inheritance.
Arrhythmogenic right ventricular dysplasia 5. Also called: Arrhythmogenic Right Ventricular Dysplasia/Cardiomyopathy 5; ARRHYTHMOGENIC RIGHT VENTRICULAR DYSPLASIA, FAMILIAL, 5. Identifiers: MedGen C1858379, MONDO:0011459, OMIM 604400.

Allele frequency attached by ClinVar (database versions not stated): ExAC 0.00001; gnomAD exomes below 0.00001.
gnomAD v4.1: 2 of 1,611,308 alleles (0.00012%); highest among the groups gnomAD compares: Non-Finnish European, 0.000085%; no homozygotes.

Submissions (3):

Ambry Genetics
Classification: Likely benign for Cardiovascular phenotype. Last evaluated: 2023-10-31. Review status: criteria provided, single submitter. Criteria: Ambry Variant Classification Scheme 2023. Collection method: clinical testing. Allele origin: germline.

All of Us Research Program, National Institutes of Health
Classification: Uncertain significance for Arrhythmogenic right ventricular dysplasia 5. Last evaluated: 2023-08-23. Review status: criteria provided, single submitter. Criteria: ACMG Guidelines, 2015. Collection method: clinical testing. Allele origin: germline. Inheritance: Autosomal dominant inheritance. Observed: 1 variant allele, 1 heterozygote.
Comment: This missense variant replaces serine with cysteine at codon 6 of the TMEM43 protein. Computational prediction suggests that this variant may not impact protein structure and function (internally defined REVEL score threshold <= 0.5, PMID: 27666373). To our knowledge, functional studies have not been reported for this variant. This variant has not been reported in individuals affected with TMEM43-related disorders in the literature. This variant has been identified in 1/251174 chromosomes in the general population by the Genome Aggregation Database (gnomAD). The available evidence is insufficient to determine the role of this variant in disease conclusively. Therefore, this variant is classified as a Variant of Uncertain Significance.

This study involves interpretation of variants in research participants for the purpose of population health screening. Participant phenotype was not available at the time of variant classification. Additional details can be found in publication PMID: 35346344, PMCID: PMC8962531

Color Diagnostics, LLC DBA Color Health
Classification: Uncertain significance for Cardiomyopathy. Last evaluated: 2023-08-09. Review status: criteria provided, single submitter. Criteria: ACMG Guidelines, 2015. Collection method: clinical testing. Allele origin: germline.
Comment: This missense variant replaces serine with cysteine at codon 6 of the TMEM43 protein. Computational prediction suggests that this variant may not impact protein structure and function. To our knowledge, functional studies have not been reported for this variant. This variant has not been reported in individuals affected with TMEM43-related disorders in the literature. This variant has been identified in 1/251174 chromosomes in the general population by the Genome Aggregation Database (gnomAD). The available evidence is insufficient to determine the role of this variant in disease conclusively. Therefore, this variant is classified as a Variant of Uncertain Significance.

NM_024334.3(TMEM43):c.17C>G (p.Ser6Cys)

Gene: TMEM43 (transmembrane protein 43; plus strand). Cytogenetic location: 3p25.1.
Variant type: single nucleotide variant.
Coding change: c.17C>G on transcript NM_024334.3 (MANE Select); coding-DNA position 17, C replaced by G.
Protein change: p.Ser6Cys; replaces serine 6 with cysteine.
Molecular consequence: missense variant.
Genome position (GRCh38, 1-based): chr3:14,129,416, C>G. VCF-style: chr3-14129416-C-G. GRCh37 (hg19) VCF-style: chr3-14170916-C-G.
Other names: c.17C>G, p.Ser6Cys (NM_001407274.1, NM_001407275.1, NM_001407276.1 and 3 more transcripts); short protein forms S6C.
Identifiers: ClinVar variation 1780356 (VCV001780356.4), dbSNP rs756575126, ClinGen allele CA052084.